The following is an entry in ClinVar:

ClinVar aggregate classification (germline): Uncertain significance. Review status: criteria provided, multiple submitters, no conflicts (2 of 4 stars). 2 submissions from 2 submitters: Uncertain significance (2). Last evaluated 2019-08-21.

Conditions:
Developmental and epileptic encephalopathy 94 (DEE94). Also called: Epileptic encephalopathy, childhood-onset; CHD2-Related Neurodevelopmental Disorders. Identifiers: Orphanet 1942, Orphanet 2382, MedGen C3809278, MONDO:0014150, OMIM 615369.

Submissions (2):

Labcorp Genetics (formerly Invitae), Labcorp
Classification: Uncertain significance for Developmental and epileptic encephalopathy 94. Last evaluated: 2019-08-21. Review status: criteria provided, single submitter. Criteria: Invitae Variant Classification Sherloc (09022015). Collection method: clinical testing. Allele origin: germline.
Comment: In summary, the available evidence is currently insufficient to determine the role of this variant in disease. Therefore, it has been classified as a Variant of Uncertain Significance. Algorithms developed to predict the effect of missense changes on protein structure and function are either unavailable or do not agree on the potential impact of this missense change (SIFT: "Deleterious"; PolyPhen-2: "Benign"; Align-GVGD: "Class C25"). This variant has not been reported in the literature in individuals with CHD2-related conditions. ClinVar contains an entry for this variant (Variation ID: 420514). This variant is not present in population databases (ExAC no frequency). This sequence change replaces valine with leucine at codon 1009 of the CHD2 protein (p.Val1009Leu). The valine residue is highly conserved and there is a small physicochemical difference between valine and leucine.

GeneDx
Classification: Uncertain significance. Last evaluated: 2016-02-26. Review status: criteria provided, single submitter. Criteria: GeneDx Variant Classification (06012015). Collection method: clinical testing. Allele origin: germline. Affected: yes.
Comment: A variant of uncertain significance has been identified in the CHD2 gene. The V1009L variant has not been published as a pathogenic variant, nor has it been reported as a benign variant to our knowledge. It was not observed in approximately 6,500 individuals of European and African American ancestry in the NHLBI Exome Sequencing Project, indicating it is not a common benign variant in these populations. This substitution occurs at a position that is conserved in mammals However, the V1009L variant is a conservative amino acid substitution, which is not likely to impact secondary protein structure as these residues share similar properties. In silico analysis is inconsistent in its predictions as to whether or not the variant is damaging to the protein structure/function. Therefore, based on the currently available information, it is unclear whether this variant is a pathogenic variant or a rare benign variant.

NM_001271.4(CHD2):c.3025G>T (p.Val1009Leu)

Genes: CHD2 (chromodomain helicase DNA binding protein 2; plus strand), LOC126862230 (P300/CBP strongly-dependent group 1 enhancer GRCh37_chr15:93523977-93525176; plus strand). Cytogenetic location: 15q26.1.
Variant type: single nucleotide variant.
Coding change: c.3025G>T on transcript NM_001271.4 (MANE Select); coding-DNA position 3025, G replaced by T.
Protein change: p.Val1009Leu; replaces valine 1009 with leucine.
Molecular consequence: missense variant.
Genome position (GRCh38, 1-based): chr15:92,981,416, G>T. VCF-style: chr15-92981416-G-T. GRCh37 (hg19) VCF-style: chr15-93524646-G-T.
Other names: short protein forms V1009L.
Identifiers: ClinVar variation 420514 (VCV000420514.12), dbSNP rs1064794528, ClinGen allele CA16620051.
Genomic context (GRCh38, chr15:92,981,416, plus strand): 5'-TTCTTTTAGGAAATGGATATAGATGAAATTTTGCGGTTGGCTGAAACGAGAGAGAATGAA[G>T]TGTCAACAAGTGCAACAGATGAACTTCTATCACAGTTTAAGGTATGAAGATCTTTGTGGG-3'
Protein context (NP_001262.3, residues 999-1019): LRLAETRENE[Val1009Leu]STSATDELLS